The following is an entry in ClinVar:

NM_001009944.3(PKD1):c.11418G>A (p.Trp3806Ter)

Genes: PKD1 (polycystin 1, transient receptor potential channel interacting; minus strand), PKD1-AS1 (PKD1 antisense RNA 1; plus strand). Cytogenetic location: 16p13.3.
Variant type: single nucleotide variant.
Coding change: c.11418G>A on transcript NM_001009944.3 (MANE Select); coding-DNA position 11418, G replaced by A.
Protein change: p.Trp3806Ter; replaces tryptophan 3806 with a stop codon.
Molecular consequence: nonsense.
Genome position (GRCh38, 1-based): chr16:2,091,900, C>T on the plus strand (G>A on the coding strand, the complement: PKD1 is on the minus strand). VCF-style: chr16-2091900-C-T. GRCh37 (hg19) VCF-style: chr16-2141901-C-T.
Other names: c.11415G>A, p.Trp3805Ter (NM_000296.4); short protein forms W3805*, W3806*.
Identifiers: ClinVar variation 3381450 (VCV003381450.2).

ClinVar aggregate classification (germline): Pathogenic/Likely pathogenic. Review status: criteria provided, multiple submitters, no conflicts (2 of 4 stars). 2 submissions from 2 submitters: Pathogenic (1); Likely pathogenic (1). Last evaluated 2024-05-21.

Conditions:
PKD1-related disorder. Also called: PKD1-related condition.

Submissions (2):

GeneDx
Classification: Pathogenic. Last evaluated: 2024-05-21. Review status: criteria provided, single submitter. Criteria: GeneDx Variant Classification Process June 2021. Collection method: clinical testing. Allele origin: germline. Affected: yes.
Comment: Nonsense variant predicted to result in protein truncation or nonsense mediated decay in a gene for which loss of function is a known mechanism of disease; Not observed at significant frequency in large population cohorts (gnomAD); Has not been previously published as pathogenic or benign to our knowledge

Blueprint Genetics
Classification: Likely pathogenic for PKD1-related disorders. Last evaluated: 2022-10-13. Review status: criteria provided, single submitter. Criteria: ACMG Guidelines, 2015. Collection method: clinical testing. Allele origin: germline. Affected: yes. Observed: 1 variant allele.